The following is an entry in ClinVar:

ClinVar aggregate classification (germline): Pathogenic (1 of 4 stars; one submission).

Conditions:
DICER1-related tumor predisposition. Also called: DICER1-related pleuropulmonary blastoma cancer predisposition syndrome; DICER1 syndrome. Identifiers: Orphanet 284343, MedGen C3839822, MONDO:0100216.

Submission:

Labcorp Genetics (formerly Invitae), Labcorp
Classification: Pathogenic for DICER1-related tumor predisposition. Last evaluated: 2022-06-08. Review status: criteria provided, single submitter. Criteria: Invitae Variant Classification Sherloc (09022015). Collection method: clinical testing. Allele origin: germline.
Comment: This variant is not present in population databases (gnomAD no frequency). For these reasons, this variant has been classified as Pathogenic. This variant has not been reported in the literature in individuals affected with DICER1-related conditions. This sequence change creates a premature translational stop signal (p.Arg1358Alafs*21) in the DICER1 gene. It is expected to result in an absent or disrupted protein product. Loss-of-function variants in DICER1 are known to be pathogenic (PMID: 19556464, 21266384).

Literature cited by the submitters: PubMed 19556464; PubMed 21266384.

NM_177438.3(DICER1):c.4072del (p.Arg1358fs)

Gene: DICER1 (dicer 1, ribonuclease III; minus strand). Cytogenetic location: 14q32.13.
Variant type: Deletion.
Coding change: c.4072del on transcript NM_177438.3 (MANE Select); coding-DNA position 4072, one base deleted (C; older notation c.4072delC).
Protein change: p.Arg1358fs; shifts the reading frame from arginine 1358.
Molecular consequence: frameshift variant. On other transcripts: non-coding transcript variant (6).
Genome position (GRCh38, 1-based): chr14:95,099,914, G deleted on the plus strand (C on the coding strand, the reverse complement: DICER1 is on the minus strand). VCF-style (leftmost placement, unchanged base first): chr14-95099913-CG-C. GRCh37 (hg19) VCF-style: chr14-95566250-CG-C.
Other names: c.4072del, p.Arg1358fs (NM_001195573.1, NM_001271282.3, NM_001291628.2 and 12 more transcripts); c.4072delC, p.Arg1358Alafs (NM_001395681.1); c.3790del, p.Arg1264fs (NM_001395686.1); c.3667del, p.Arg1223fs (NM_001395687.1, NM_001395688.1, NM_001395689.1 and 2 more transcripts); c.3505del, p.Arg1169fs (NM_001395691.1); c.2389del, p.Arg797fs (NM_001395697.1); short protein forms R1358fs, R1223fs, R797fs, R1169fs, R1264fs.
Identifiers: ClinVar variation 2003507 (VCV002003507.4), dbSNP rs2542603102, ClinGen allele CA2580089217.